The following is an entry in ClinVar:

NM_000525.4(KCNJ11):c.*288G>A

Gene: KCNJ11 (potassium inwardly rectifying channel subfamily J member 11; minus strand). Cytogenetic location: 11p15.1.
Variant type: single nucleotide variant.
Coding change: c.*288G>A on transcript NM_000525.4 (MANE Select); 288 bases downstream of the stop codon, G replaced by A.
Molecular consequence: 3 prime UTR variant.
Genome position (GRCh38, 1-based): chr11:17,386,631, C>T on the plus strand (G>A on the coding strand, the complement: KCNJ11 is on the minus strand). VCF-style: chr11-17386631-C-T. GRCh37 (hg19) VCF-style: chr11-17408178-C-T.
Other names: c.*288G>A (NM_001166290.2, NM_001377296.1, NM_001377297.1).
Identifiers: ClinVar variation 303725 (VCV000303725.9), dbSNP rs5209, ClinGen allele CA10634187.

ClinVar aggregate classification (germline): Conflicting classifications of pathogenicity. Review status: criteria provided, conflicting classifications (1 of 4 stars). 5 submissions from 3 submitters: Uncertain significance (2); Benign (2); Likely benign (1). Last evaluated 2019-06-30.

Conditions:
Maturity-onset diabetes of the young type 13. Also called: MODY, TYPE 13. Identifiers: Orphanet 552, MedGen C4225365, MONDO:0014589, OMIM 616329.
Maturity-onset diabetes of the young (MODY). Also called: Maturity onset diabetes mellitus in young. Identifiers: Orphanet 552, MedGen C0342276, MONDO:0018911, HP:0004904.
Diabetes mellitus, transient neonatal, 3 (TNDM3). Identifiers: Orphanet 99886, MedGen C1864623, MONDO:0012522, OMIM 610582. Disease mechanism: loss of function.
Hyperinsulinemic hypoglycemia, familial, 2. Also called: HYPERINSULINEMIC HYPOGLYCEMIA, PERSISTENT; HYPERINSULINISM, NEONATAL. Identifiers: Orphanet 276580, Orphanet 276603, MedGen C2931833, MONDO:0011153, OMIM 601820. Disease mechanism: loss of function.

Allele frequency attached by ClinVar (database versions not stated): gnomAD exomes 0.00071; gnomAD 0.00555 and 0.00590; TOPMed 0.00630; 1000 Genomes Project 0.00719; 1000 Genomes Project 30x 0.00781.
gnomAD v4.1: 1,025 of 389,258 alleles (0.26%); highest among the groups gnomAD compares: African/African-American, 1.9%; 10 homozygotes.

Submissions (5):

GeneDx
Classification: Likely benign. Last evaluated: 2019-06-30. Review status: criteria provided, single submitter. Criteria: GeneDx Variant Classification Process June 2021. Collection method: clinical testing. Allele origin: germline. Affected: yes.

Illumina Laboratory Services, Illumina
Classification: Benign for Diabetes mellitus, transient neonatal, 3. Last evaluated: 2018-01-13. Review status: criteria provided, single submitter. Criteria: ICSL Variant Classification Criteria 13 December 2019. Collection method: clinical testing. Allele origin: germline.
Comment: This variant was observed in the ICSL laboratory as part of a predisposition screen in an ostensibly healthy population. It had not been previously curated by ICSL or reported in the Human Gene Mutation Database (HGMD: prior to June 1st, 2018), and was therefore a candidate for classification through an automated scoring system. Utilizing variant allele frequency, disease prevalence and penetrance estimates, and inheritance mode, an automated score was calculated to assess if this variant is too frequent to cause the disease. Based on the score and internal cut-off values, a variant classified as benign is not then subjected to further curation. The score for this variant resulted in a classification of benign for this disease.

Illumina Laboratory Services, Illumina
Classification: Uncertain significance for Hyperinsulinemic hypoglycemia, familial, 2. Last evaluated: 2018-01-13. Review status: criteria provided, single submitter. Criteria: ICSL Variant Classification Criteria 13 December 2019. Collection method: clinical testing. Allele origin: germline.

Illumina Laboratory Services, Illumina
Classification: Benign for Maturity-onset diabetes of the young type 13. Last evaluated: 2018-01-13. Review status: criteria provided, single submitter. Criteria: ICSL Variant Classification Criteria 13 December 2019. Collection method: clinical testing. Allele origin: germline.
Comment: the same text as in the submission from Illumina Laboratory Services, Illumina above.

Clinical Genomics, Uppaluri K&H Personalized Medicine Clinic
Classification: Uncertain significance for Maturity-onset diabetes of the young. Review status: criteria provided, single submitter. Criteria: K & H Uppaluri Personalized Medicine Clinic Variant Classification & Assertion Criteria_Updated V.1. Collection method: research. Allele origin: unknown. Inheritance: Autosomal dominant inheritance.
Comment: Mutations in KCNJ11 gene can cause decreased production and secretion of insulin. This can lead to MODY which may be responsive to oral sulfonylureas. It is also associated with Neonatal Diabetes. However, no sufficient evidence is found to ascertain the role of this particular variant (rs5209) in MODY yet.

Literature cited by the submitters: PubMed 18767144 (cited by Clinical Genomics, Uppaluri K&H Personalized Medicine Clinic); PubMed 15580558 (cited by Clinical Genomics, Uppaluri K&H Personalized Medicine Clinic); PubMed 26448950 (cited by Clinical Genomics, Uppaluri K&H Personalized Medicine Clinic); PubMed 32935446 (cited by Clinical Genomics, Uppaluri K&H Personalized Medicine Clinic); PubMed 22701567 (cited by Clinical Genomics, Uppaluri K&H Personalized Medicine Clinic); PubMed 15718250 (cited by Clinical Genomics, Uppaluri K&H Personalized Medicine Clinic).